The following is an entry in ClinVar:

ClinVar aggregate classification (germline): Uncertain significance. Review status: criteria provided, multiple submitters, no conflicts (2 of 4 stars). 7 submissions from 7 submitters: Uncertain significance (7). Last evaluated 2025-09-18.

Conditions:
RYR1-related disorder. Also called: RYR1-related condition; RYR1-related disorders. Identifiers: MedGen CN239331.
Malignant hyperthermia, susceptibility to, 1 (MHS1). Also called: RYR1-Related Malignant Hyperthermia Susceptibility; Anesthesia related hyperthermia; Malignant hyperpyrexia; Fulminating hyperpyrexia; Pharmacogenic myopathy; Malignant hyperthermia suceptibility 1. Identifiers: Orphanet 423, MedGen C2930980, MONDO:0007783, OMIM 145600.
Congenital myopathy with fiber type disproportion. Also called: Congenital fiber-type disproportion myopathy; Congenital fiber-type disproportion. Identifiers: Orphanet 2020, MedGen C0546264, MONDO:0009711. Inheritance: all.
Central core myopathy (CMYO1A). Also called: CONGENITAL MYOPATHY 1A, AUTOSOMAL DOMINANT, WITH SUSCEPTIBILITY TO MALIGNANT HYPERTHERMIA; Central core disease; Myopathy, central fibrillar. Identifiers: Orphanet 597, MedGen C5830701, MONDO:0007294, OMIM 117000.
Congenital multicore myopathy with external ophthalmoplegia (CMYO1B). Also called: MULTICORE MYOPATHY; Minicore myopathy with external ophthalmoplegia; MULTIMINICORE DISEASE WITH EXTERNAL OPHTHALMOPLEGIA; Congenital myopathy 1B, autosomal recessive; Minicore myopathy. Identifiers: Orphanet 598, Orphanet 98905, MedGen C1850674, MONDO:0009712, OMIM 255320, HP:0003789.
King Denborough syndrome (KDS). Identifiers: MedGen C1840365, MONDO:0020485, OMIM 619542.

Allele frequency attached by ClinVar (database versions not stated): gnomAD exomes 0.00001; TOPMed 0.00001; ExAC 0.00002.
gnomAD v4.1: 6 of 1,613,328 alleles (0.00037%); highest among the groups gnomAD compares: African/African-American, 0.0013%; no homozygotes.

Submissions (8):

Color Diagnostics, LLC DBA Color Health
Classification: Uncertain significance for Malignant hyperthermia, susceptibility to, 1. Last evaluated: 2025-09-18. Review status: criteria provided, single submitter. Criteria: ACMG Guidelines, 2015. Collection method: clinical testing. Allele origin: germline.
Comment: This variant alters the the last c.G nucleotide of exon 29 of the RYR1 gene and is predicted to disrupt RNA splicing. To our knowledge, functional studies have not been reported for this variant. This variant has been reported in an individual affected with malignant hyperthermia (PMID: 38542460). This variant has been identified in 2/250436 chromosomes in the general population by the Genome Aggregation Database (gnomAD). The available evidence is insufficient to determine the role of this variant in disease conclusively. Therefore, this variant is classified as a Variant of Uncertain Significance.

PreventionGenetics, part of Exact Sciences
Classification: Uncertain significance for RYR1-related condition. Last evaluated: 2024-10-08. Review status: criteria provided, single submitter. Criteria: ACMG Guidelines, 2015. Collection method: clinical testing. Allele origin: germline.
Comment: The RYR1 c.4293G>A variant is not predicted to result in an amino acid change (p.=). To our knowledge, this variant has not been reported in the literature. This variant is located adjacent to the canonical splice donor site and is predicted to alter splicing based on available splicing prediction programs (SpliceAI, Jaganathan et al. 2019. PubMed ID: 30661751). However, the use of computer prediction programs is not equivalent to functional evidence. This variant is reported in 0.0099% of alleles in individuals of Ashkenazi Jewish descent in gnomAD. At this time, the clinical significance of this variant is uncertain due to the absence of conclusive functional and genetic evidence.

All of Us Research Program, National Institutes of Health
Classification: Uncertain significance for Malignant hyperthermia, susceptibility to, 1. Last evaluated: 2024-05-30. Review status: criteria provided, single submitter. Criteria: ACMG Guidelines, 2015. Collection method: clinical testing. Allele origin: germline. Inheritance: Autosomal dominant inheritance. Observed: 4 variant alleles, 4 heterozygotes.
Comment: This variant alters the the last c.G nucleotide of exon 29 of the RYR1 gene and is predicted to disrupt RNA splicing. To our knowledge, functional studies have not been reported for this variant. This variant has not been reported in individuals affected with RYR1-related disorders in the literature. This variant has been identified in 2/250436 chromosomes in the general population by the Genome Aggregation Database (gnomAD). The available evidence is insufficient to determine the role of this variant in disease conclusively. Therefore, this variant is classified as a Variant of Uncertain Significance.

This study involves interpretation of variants in research participants for the purpose of population health screening. Participant phenotype was not available at the time of variant classification. Additional details can be found in publication PMID: 35346344, PMCID: PMC8962531

Labcorp Genetics (formerly Invitae), Labcorp
Classification: Uncertain significance for RYR1-related disorder. Last evaluated: 2023-12-14. Review status: criteria provided, single submitter. Criteria: Invitae Variant Classification Sherloc (09022015). Collection method: clinical testing. Allele origin: germline.
Comment: This sequence change affects codon 1431 of the RYR1 mRNA. It is a 'silent' change, meaning that it does not change the encoded amino acid sequence of the RYR1 protein. This variant also falls at the last nucleotide of exon 29, which is part of the consensus splice site for this exon. This variant is present in population databases (rs727504130, gnomAD 0.01%). This variant has not been reported in the literature in individuals affected with RYR1-related conditions. ClinVar contains an entry for this variant (Variation ID: 167616). Variants that disrupt the consensus splice site are a relatively common cause of aberrant splicing (PMID: 17576681, 9536098). Algorithms developed to predict the effect of sequence changes on RNA splicing suggest that this variant may disrupt the consensus splice site. In summary, the available evidence is currently insufficient to determine the role of this variant in disease. Therefore, it has been classified as a Variant of Uncertain Significance.

GeneDx
Classification: Uncertain significance. Last evaluated: 2022-03-15. Review status: criteria provided, single submitter. Criteria: GeneDx Variant Classification Process June 2021. Collection method: clinical testing. Allele origin: germline. Affected: yes.
Comment: Not observed at significant frequency in large population cohorts (gnomAD); Splicing prediction indicates that there is significant damage to the natural splice site, or there is gain of a relevant cryptic site; Reported in at least one individual from a cohort of individuals with clinical suspicion of malignant hyperthermia susceptibility based on personal or family history, although additional clinical information was not included (Chang et al., 2019); This variant is associated with the following publications: (PMID: 30916033)

Fulgent Genetics
Classification: Uncertain significance for Central core myopathy; Malignant hyperthermia, susceptibility to, 1; Congenital myopathy 4A, autosomal dominant; Congenital multicore myopathy with external ophthalmoplegia; King Denborough syndrome. Last evaluated: 2021-10-13. Review status: criteria provided, single submitter. Criteria: ACMG Guidelines, 2015. Collection method: clinical testing. Allele origin: unknown.

Eurofins Ntd Llc (ga)
Classification: Uncertain significance. Last evaluated: 2014-02-05. Review status: criteria provided, single submitter. Criteria: EGL Classification Definitions 2015. Collection method: clinical testing. Allele origin: germline. Observed: 1 variant allele, 1 heterozygote.

Dr. Peter K. Rogan Lab, Western University
No classification provided (evidence only). Condition: Familial cancer of breast. Review status: no classification provided. Collection method: in vitro. Allele origin: not applicable. Functional consequence: retained intron. Not counted in ClinVar's aggregate classification.

Literature cited by the submitters: PubMed 38542460 (cited by Color Diagnostics, LLC DBA Color Health); PubMed 17576681 (cited by Labcorp Genetics (formerly Invitae), Labcorp); PubMed 9536098 (cited by Labcorp Genetics (formerly Invitae), Labcorp).

NM_000540.3(RYR1):c.4293G>A (p.Thr1431=)

Gene: RYR1 (ryanodine receptor 1; plus strand). Cytogenetic location: 19q13.2.
Variant type: single nucleotide variant.
Coding change: c.4293G>A on transcript NM_000540.3 (MANE Select); coding-DNA position 4293, G replaced by A.
Protein change: p.Thr1431=; no amino-acid change (threonine 1431 retained).
Molecular consequence: synonymous variant.
Genome position (GRCh38, 1-based): chr19:38,475,450, G>A. VCF-style: chr19-38475450-G-A. GRCh37 (hg19) VCF-style: chr19-38966090-G-A.
Other names: c.4293G>A, p.Thr1431= (NM_001042723.2).
Identifiers: ClinVar variation 167616 (VCV000167616.15), dbSNP rs727504130, ClinGen allele CA024437.